The following is an entry in ClinVar:

ClinVar aggregate classification (germline): Uncertain significance (1 of 4 stars; one submission).

Conditions:
Hereditary cancer-predisposing syndrome. Also called: Neoplastic Syndromes, Hereditary; Tumor predisposition; Hereditary neoplastic syndrome; Hereditary Cancer Syndrome. Identifiers: Orphanet 140162, MedGen C0027672, MeSH D009386, MONDO:0015356.

Submission:

Ambry Genetics
Classification: Uncertain significance for Hereditary cancer-predisposing syndrome. Last evaluated: 2026-07-07. Review status: criteria provided, single submitter. Criteria: Ambry Variant Classification Scheme 2023. Collection method: clinical testing. Allele origin: germline.
Comment: The p.Y643S variant (also known as c.1928A>C), located in coding exon 17 of the TSC2 gene, results from an A to C substitution at nucleotide position 1928. The tyrosine at codon 643 is replaced by serine, an amino acid with dissimilar properties. This amino acid position is conserved. In addition, this alteration is predicted to be deleterious by in silico analysis. Based on the available evidence, the clinical significance of this variant remains unclear.

NM_000548.5(TSC2):c.1928A>C (p.Tyr643Ser)

Gene: TSC2 (TSC complex subunit 2; plus strand). Cytogenetic location: 16p13.3.
Variant type: single nucleotide variant.
Coding change: c.1928A>C on transcript NM_000548.5 (MANE Select); coding-DNA position 1928, A replaced by C.
Protein change: p.Tyr643Ser; replaces tyrosine 643 with serine.
Molecular consequence: missense variant. On other transcripts: non-coding transcript variant (5).
Genome position (GRCh38, 1-based): chr16:2,071,598, A>C. VCF-style: chr16-2071598-A-C. GRCh37 (hg19) VCF-style: chr16-2121599-A-C.
Other names: c.1916A>C, p.Tyr639Ser (NM_001406673.1, NM_001406671.1); c.1781A>C, p.Tyr594Ser (NM_001406675.1, NM_001406676.1, NM_001406679.1 and 1 more transcripts); c.1871A>C, p.Tyr624Ser (NM_001406677.1); c.1817A>C, p.Tyr606Ser (NM_001406678.1, NM_001318827.2, NM_001406670.1); c.1328A>C, p.Tyr443Ser (NM_001406680.1, NM_001406682.1, NM_001406683.1 and 6 more transcripts); c.1466A>C, p.Tyr489Ser (NM_001406681.1); c.1928A>C, p.Tyr643Ser (NM_001077183.3, NM_001114382.3, NM_001363528.2 and 6 more transcripts); c.1961A>C, p.Tyr654Ser (NM_001318832.2); and 3 more; short protein forms Y443S, Y643S, Y606S, Y624S, Y654S, Y109S, Y639S, Y673S.
Identifiers: ClinVar variation 5031353 (VCV005031353.1).